The following is an entry in ClinVar:

ClinVar aggregate classification (germline): Uncertain significance (1 of 4 stars; one submission).

Conditions:
POLD1-related polyposis and colorectal cancer syndrome (CRCS10). Also called: Colorectal cancer, susceptibility to, 10; Colorectal cancer 10; COLORECTAL CANCER, SUSCEPTIBILITY TO, ON CHROMOSOME 19q. Identifiers: Orphanet 220460, MedGen C2675481, MONDO:0012953, OMIM 612591.

Submission:

Neuberg Centre For Genomic Medicine, NCGM
Classification: Uncertain significance for POLD1-related polyposis and colorectal cancer syndrome. Review status: criteria provided, single submitter. Criteria: ACMG Guidelines, 2015. Collection method: clinical testing. Allele origin: germline. Inheritance: Autosomal dominant inheritance. Affected: yes.
Comment: The missense variant in c.1397A>C (p.Glu466Ala) in POLD1 gene has not been reported previously as a pathogenic variant nor as a benign variant, to our knowledge. The p.Glu466Ala variant is novel (not in any individuals) in gnomAD Exomes and 1000 Genomes. The amino acid Glu at position 466 is changed to a Ala changing protein sequence and it might alter its composition and physico-chemical properties. The variant is predicted to be damaging by both SIFT and PolyPhen2. The residue is conserved across species. The amino acid change p.Glu466Ala in POLD1 is predicted as conserved by GERP++ and PhyloP across 100 vertebrates. For these reasons, this variant has been classified as Uncertain Significance.

NM_002691.4(POLD1):c.1397A>C (p.Glu466Ala)

Gene: POLD1 (DNA polymerase delta 1, catalytic subunit; plus strand). Cytogenetic location: 19q13.33.
Variant type: single nucleotide variant.
Coding change: c.1397A>C on transcript NM_002691.4 (MANE Select); coding-DNA position 1397, A replaced by C.
Protein change: p.Glu466Ala; replaces glutamic acid 466 with alanine.
Molecular consequence: missense variant. On other transcripts: non-coding transcript variant (1).
Genome position (GRCh38, 1-based): chr19:50,406,420, A>C. VCF-style: chr19-50406420-A-C. GRCh37 (hg19) VCF-style: chr19-50909677-A-C.
Other names: c.1397A>C, p.Glu466Ala (NM_001256849.1, NM_001308632.1); short protein forms E466A.
Identifiers: ClinVar variation 2585391 (VCV002585391.1), dbSNP rs2122326071, ClinGen allele CA406980032.